The following is an entry in ClinVar:

NM_015915.5(ATL1):c.208G>T (p.Val70Leu)

Gene: ATL1 (atlastin GTPase 1; plus strand). Cytogenetic location: 14q22.1.
Variant type: single nucleotide variant.
Coding change: c.208G>T on transcript NM_015915.5 (MANE Select); coding-DNA position 208, G replaced by T.
Protein change: p.Val70Leu; replaces valine 70 with leucine.
Molecular consequence: missense variant.
Genome position (GRCh38, 1-based): chr14:50,588,004, G>T. VCF-style: chr14-50588004-G-T. GRCh37 (hg19) VCF-style: chr14-51054722-G-T.
Other names: c.208G>T, p.Val70Leu (NM_001127713.1, NM_181598.4); short protein forms V70L.
Identifiers: ClinVar variation 2498001 (VCV002498001.23), dbSNP rs761583539, ClinGen allele CA7180184.

ClinVar aggregate classification (germline): Uncertain significance. Review status: criteria provided, multiple submitters, no conflicts (2 of 4 stars). 2 submissions from 2 submitters: Uncertain significance (2). Last evaluated 2024-02-01.

Allele frequency attached by ClinVar (database versions not stated): ExAC 0.00004.
gnomAD v4.1: 36 of 1,614,196 alleles (0.0022%); highest among the groups gnomAD compares: South Asian, 0.036%; no homozygotes.

Submissions (2):

CeGaT Center for Human Genetics Tuebingen
Classification: Uncertain significance. Last evaluated: 2024-02-01. Review status: criteria provided, single submitter. Criteria: CeGaT Center For Human Genetics Tuebingen Variant Classification Criteria Version 2. Collection method: clinical testing. Allele origin: germline. Affected: yes. Observed: 1 variant allele.
Comment: ATL1: PM2:Supporting, BP5

GeneDx
Classification: Uncertain significance. Last evaluated: 2022-10-04. Review status: criteria provided, single submitter. Criteria: GeneDx Variant Classification Process June 2021. Collection method: clinical testing. Allele origin: germline. Affected: yes.
Comment: In silico analysis supports that this missense variant does not alter protein structure/function; Has not been previously published as pathogenic or benign to our knowledge; This variant is associated with the following publications: (PMID: 23334294)